The following is an entry in ClinVar:

ClinVar aggregate classification (germline): Uncertain significance (1 of 4 stars; one submission).

Allele frequency attached by ClinVar (database versions not stated): gnomAD exomes below 0.00001; ExAC 0.00001.
gnomAD v4.1: 5 of 1,614,136 alleles (0.00031%); highest among the groups gnomAD compares: South Asian, 0.0022%; no homozygotes.

Submission:

Labcorp Genetics (formerly Invitae), Labcorp
Classification: Uncertain significance. Last evaluated: 2022-05-28. Review status: criteria provided, single submitter. Criteria: Invitae Variant Classification Sherloc (09022015). Collection method: clinical testing. Allele origin: germline.
Comment: This sequence change replaces asparagine, which is neutral and polar, with serine, which is neutral and polar, at codon 313 of the CTDP1 protein (p.Asn313Ser). This variant is present in population databases (rs781044506, gnomAD 0.003%). This variant has not been reported in the literature in individuals affected with CTDP1-related conditions. Algorithms developed to predict the effect of missense changes on protein structure and function are either unavailable or do not agree on the potential impact of this missense change (SIFT: "Tolerated"; PolyPhen-2: "Probably Damaging"; Align-GVGD: "Class C0"). In summary, the available evidence is currently insufficient to determine the role of this variant in disease. Therefore, it has been classified as a Variant of Uncertain Significance.

NM_004715.5(CTDP1):c.938A>G (p.Asn313Ser)

Gene: CTDP1 (CTD phosphatase subunit 1; plus strand). Cytogenetic location: 18q23.
Variant type: single nucleotide variant.
Coding change: c.938A>G on transcript NM_004715.5 (MANE Select); coding-DNA position 938, A replaced by G.
Protein change: p.Asn313Ser; replaces asparagine 313 with serine.
Molecular consequence: missense variant.
Genome position (GRCh38, 1-based): chr18:79,713,046, A>G. VCF-style: chr18-79713046-A-G. GRCh37 (hg19) VCF-style: chr18-77473046-A-G.
Other names: c.581A>G, p.Asn194Ser (NM_001202504.1); c.938A>G, p.Asn313Ser (NM_001318511.2, NM_048368.4); short protein forms N313S, N194S.
Identifiers: ClinVar variation 2000034 (VCV002000034.1), dbSNP rs781044506, ClinGen allele CA9010154.